The following is an entry in ClinVar:

NM_006922.4(SCN3A):c.2747A>G (p.Asn916Ser)

Gene: SCN3A (sodium voltage-gated channel alpha subunit 3; minus strand). Cytogenetic location: 2q24.3.
Variant type: single nucleotide variant.
Coding change: c.2747A>G on transcript NM_006922.4 (MANE Select); coding-DNA position 2747, A replaced by G.
Protein change: p.Asn916Ser; replaces asparagine 916 with serine.
Molecular consequence: missense variant.
Genome position (GRCh38, 1-based): chr2:165,130,115, T>C on the plus strand (A>G on the coding strand, the complement: SCN3A is on the minus strand). VCF-style: chr2-165130115-T-C. GRCh37 (hg19) VCF-style: chr2-165986625-T-C.
Other names: c.2600A>G, p.Asn867Ser (NM_001081676.2, NM_001081677.2); short protein forms N867S, N916S.
Identifiers: ClinVar variation 2430830 (VCV002430830.5), dbSNP rs766258051, ClinGen allele CA1938905.

ClinVar aggregate classification (germline): Conflicting classifications of pathogenicity. Review status: criteria provided, conflicting classifications (1 of 4 stars). 3 submissions from 3 submitters: Uncertain significance (2); Likely benign (1). Last evaluated 2025-09-01.

Conditions:
Inborn genetic diseases. Identifiers: MedGen C0950123, MeSH D030342.

Allele frequency attached by ClinVar (database versions not stated): gnomAD exomes below 0.00001; ExAC 0.00001; TOPMed 0.00001.
gnomAD v4.1: 8 of 1,614,192 alleles (0.0005%); highest among the groups gnomAD compares: South Asian, 0.0044%; no homozygotes.

Submissions (3):

Ambry Genetics
Classification: Likely benign for Inborn genetic diseases. Last evaluated: 2025-09-01. Review status: criteria provided, single submitter. Criteria: Ambry Variant Classification Scheme 2023. Collection method: clinical testing. Allele origin: germline.

GeneDx
Classification: Uncertain significance. Last evaluated: 2023-02-22. Review status: criteria provided, single submitter. Criteria: GeneDx Variant Classification Process June 2021. Collection method: clinical testing. Allele origin: germline. Affected: yes.
Comment: In silico analysis supports that this missense variant does not alter protein structure/function; Has not been previously published as pathogenic or benign to our knowledge

Labcorp Genetics (formerly Invitae), Labcorp
Classification: Uncertain significance. Last evaluated: 2022-12-16. Review status: criteria provided, single submitter. Criteria: Invitae Variant Classification Sherloc (09022015). Collection method: clinical testing. Allele origin: germline.
Comment: In summary, the available evidence is currently insufficient to determine the role of this variant in disease. Therefore, it has been classified as a Variant of Uncertain Significance. This sequence change replaces asparagine, which is neutral and polar, with serine, which is neutral and polar, at codon 916 of the SCN3A protein (p.Asn916Ser). This variant is present in population databases (rs766258051, gnomAD 0.007%). This variant has not been reported in the literature in individuals affected with SCN3A-related conditions. Advanced modeling of protein sequence and biophysical properties (such as structural, functional, and spatial information, amino acid conservation, physicochemical variation, residue mobility, and thermodynamic stability) performed at Invitae indicates that this missense variant is not expected to disrupt SCN3A protein function.